The following is an entry in ClinVar:

ClinVar aggregate classification (germline): Likely benign. Review status: criteria provided, multiple submitters, no conflicts (2 of 4 stars). 4 submissions from 4 submitters: Likely benign (4). Last evaluated 2026-03-01.

Conditions:
Nemaline myopathy 2 (NEM2). Also called: Nemaline myopathy 2, autosomal recessive. Identifiers: MedGen C1850569, MONDO:0009725, OMIM 256030.

Allele frequency attached by ClinVar (database versions not stated): gnomAD 0.00002; gnomAD exomes 0.00003 and 0.00004; ExAC 0.00004; TOPMed 0.00004; ESP Exome Variant Server 0.00008; 1000 Genomes Project 30x 0.00016; 1000 Genomes Project 0.00020.
gnomAD v4.1: 53 of 1,613,782 alleles (0.0033%); highest among the groups gnomAD compares: East Asian, 0.016%; no homozygotes.

Submissions (4):

CeGaT Center for Human Genetics Tuebingen
Classification: Likely benign. Last evaluated: 2026-03-01. Review status: criteria provided, single submitter. Criteria: CeGaT Center For Human Genetics Tuebingen Variant Classification Criteria Version 2. Collection method: clinical testing. Allele origin: germline. Affected: yes. Observed: 1 variant allele.
Comment: NEB: BP4, BP7

Labcorp Genetics (formerly Invitae), Labcorp
Classification: Likely benign for Nemaline myopathy 2. Last evaluated: 2025-12-22. Review status: criteria provided, single submitter. Criteria: Invitae Variant Classification Sherloc (09022015). Collection method: clinical testing. Allele origin: germline.

Mayo Clinic Laboratories, Mayo Clinic
Classification: Likely benign. Last evaluated: 2025-10-23. Review status: criteria provided, single submitter. Criteria: ACMG Guidelines, 2015. Collection method: clinical testing. Allele origin: germline. Observed: 1 variant allele.
Comment: BP4, BP7

Blueprint Genetics
Classification: Likely benign. Last evaluated: 2023-04-24. Review status: criteria provided, single submitter. Criteria: ACMG Guidelines, 2015. Collection method: clinical testing. Allele origin: germline.

NM_001164508.2(NEB):c.7317G>A (p.Ser2439=)

Gene: NEB (nebulin; minus strand). Cytogenetic location: 2q23.3.
Variant type: single nucleotide variant.
Coding change: c.7317G>A on transcript NM_001164508.2 (MANE Select); coding-DNA position 7317, G replaced by A.
Protein change: p.Ser2439=; no amino-acid change (serine 2439 retained).
Molecular consequence: synonymous variant.
Genome position (GRCh38, 1-based): chr2:151,650,290, C>T on the plus strand (G>A on the coding strand, the complement: NEB is on the minus strand). VCF-style: chr2-151650290-C-T. GRCh37 (hg19) VCF-style: chr2-152506804-C-T.
Other names: p.Ser2439=; c.7317G>A, p.Ser2439= (NM_001164507.2, NM_001271208.2, NM_004543.5).
Identifiers: ClinVar variation 704074 (VCV000704074.17), dbSNP rs199977733, ClinGen allele CA1909879.